The following is an entry in ClinVar:

NM_001083614.2(EARS2):c.72G>A (p.Arg24=)

Genes: EARS2 (glutamyl-tRNA synthetase 2, mitochondrial; minus strand), LOC130058664 (ATAC-STARR-seq lymphoblastoid active region 10583; plus strand). Cytogenetic location: 16p12.2.
Variant type: single nucleotide variant.
Coding change: c.72G>A on transcript NM_001083614.2 (MANE Select); coding-DNA position 72, G replaced by A.
Protein change: p.Arg24=; no amino-acid change (arginine 24 retained).
Molecular consequence: synonymous variant. On other transcripts: non-coding transcript variant (1).
Genome position (GRCh38, 1-based): chr16:23,557,272, C>T on the plus strand (G>A on the coding strand, the complement: EARS2 is on the minus strand). VCF-style: chr16-23557272-C-T. GRCh37 (hg19) VCF-style: chr16-23568593-C-T.
Other names: c.72G>A, p.Arg24= (NM_001308211.1).
Identifiers: ClinVar variation 2646324 (VCV002646324.22), dbSNP rs2506932410, ClinGen allele CA494177247.

ClinVar aggregate classification (germline): Likely benign (1 of 4 stars; one submission).

Submission:

CeGaT Center for Human Genetics Tuebingen
Classification: Likely benign. Last evaluated: 2023-03-01. Review status: criteria provided, single submitter. Criteria: CeGaT Center For Human Genetics Tuebingen Variant Classification Criteria Version 2. Collection method: clinical testing. Allele origin: germline. Affected: yes. Observed: 1 variant allele.
Comment: EARS2: PM2:Supporting, BP4, BP7